The following is an entry in ClinVar:

NM_000443.4(ABCB4):c.2258T>C (p.Ile753Thr)

Gene: ABCB4 (ATP binding cassette subfamily B member 4; minus strand). Cytogenetic location: 7q21.12.
Variant type: single nucleotide variant.
Coding change: c.2258T>C on transcript NM_000443.4 (MANE Select); coding-DNA position 2258, T replaced by C.
Protein change: p.Ile753Thr; replaces isoleucine 753 with threonine.
Molecular consequence: missense variant.
Genome position (GRCh38, 1-based): chr7:87,422,179, A>G on the plus strand (T>C on the coding strand, the complement: ABCB4 is on the minus strand). VCF-style: chr7-87422179-A-G. GRCh37 (hg19) VCF-style: chr7-87051495-A-G.
Other names: c.2258T>C, p.Ile753Thr (NM_018849.3, NM_018850.3); short protein forms I753T.
Identifiers: ClinVar variation 4846512 (VCV004846512.1).
Genomic context (GRCh38, chr7:87,422,179, plus strand): 5'-ACCTGAAGGAAGAAAGTAAAAAAAGAAATAATTCCCAGAAATAAGAAAATCAAAGAGAAT[A>G]TGTTGCACTTCTGCTGCTTCACTGCATCATCGCCTGGTCCAAAAATCTACAAAAGAATAT-3'
Protein context (NP_000434.1, residues 743-763): DDAVKQQKCN[Ile753Thr]FSLIFLFLGI

ClinVar aggregate classification (germline): Uncertain significance (1 of 4 stars; one submission).

Conditions:
Familial intrahepatic cholestasis. Identifiers: Orphanet 284385, MedGen CN296401, MONDO:0017290.
Low phospholipid associated cholelithiasis (GBD1). Also called: Gallbladder disease 1; Gallstone cholecystitis. Identifiers: Orphanet 69663, MedGen C2609268, MONDO:0010939, OMIM 600803.

gnomAD v4.1: 4 of 1,613,814 alleles (0.00025%); highest among the groups gnomAD compares: South Asian, 0.0033%; no homozygotes.

Submission:

Genomenon, Inc
Classification: Uncertain significance for Familial intrahepatic cholestasis; Low phospholipid associated cholelithiasis. Last evaluated: 2026-04-14. Review status: criteria provided, single submitter. Criteria: Genomenon Sequence Variant Interpretation Standards - Updated. Collection method: curation. Allele origin: germline. Affected: no.
Comment: ABCB4 p.Ile753Thr (c.2258T>C) is a missense variant that changes the amino acid at residue 753 from Isoleucine to Threonine. This variant has been reported in the published literature (PMID:37208429). It is absent or not present at a significant frequency in gnomAD. In silico models predict that this variant is not damaging. In conclusion, we classify ABCB4 p.Ile753Thr (c.2258T>C) as a variant of uncertain significance.

Literature cited by the submitters: PubMed 37208429.